The following is an entry in ClinVar:

NM_014241.4(HACD1):c.809T>C (p.Met270Thr)

Gene: HACD1 (3-hydroxyacyl-CoA dehydratase 1; minus strand). Cytogenetic location: 10p12.33.
Variant type: single nucleotide variant.
Coding change: c.809T>C on transcript NM_014241.4 (MANE Select); coding-DNA position 809, T replaced by C.
Protein change: p.Met270Thr; replaces methionine 270 with threonine.
Molecular consequence: missense variant.
Genome position (GRCh38, 1-based): chr10:17,590,422, A>G on the plus strand (T>C on the coding strand, the complement: HACD1 is on the minus strand). VCF-style: chr10-17590422-A-G. GRCh37 (hg19) VCF-style: chr10-17632421-A-G.
Other names: short protein forms M270T.
Identifiers: ClinVar variation 1943903 (VCV001943903.4), dbSNP rs1554815472, ClinGen allele CA376192373.

ClinVar aggregate classification (germline): Uncertain significance (1 of 4 stars; one submission).

Submission:

Labcorp Genetics (formerly Invitae), Labcorp
Classification: Uncertain significance. Last evaluated: 2025-06-20. Review status: criteria provided, single submitter. Criteria: Invitae Variant Classification Sherloc (09022015). Collection method: clinical testing. Allele origin: germline.
Comment: This sequence change replaces methionine, which is neutral and non-polar, with threonine, which is neutral and polar, at codon 270 of the HACD1 protein (p.Met270Thr). This variant is not present in population databases (gnomAD no frequency). This variant has not been reported in the literature in individuals affected with HACD1-related conditions. ClinVar contains an entry for this variant (Variation ID: 1943903). Invitae Evidence Modeling of protein sequence and biophysical properties (such as structural, functional, and spatial information, amino acid conservation, physicochemical variation, residue mobility, and thermodynamic stability) indicates that this missense variant is expected to disrupt HACD1 protein function with a positive predictive value of 80%. In summary, the available evidence is currently insufficient to determine the role of this variant in disease. Therefore, it has been classified as a Variant of Uncertain Significance.